The following is an entry in ClinVar:

ClinVar aggregate classification (germline): Benign/Likely benign. Review status: criteria provided, multiple submitters, no conflicts (2 of 4 stars). 10 submissions from 10 submitters: Benign (3); Likely benign (5). 2 of the submissions do not count toward it. Last evaluated 2026-03-01.

Conditions:
Pseudohypoaldosteronism type 2C (PHA2C). Also called: Pseudohypoaldosteronism Type IIC. Identifiers: Orphanet 757, Orphanet 88940, MedGen C1840391, MONDO:0013778, OMIM 614492.
Neuropathy, hereditary sensory and autonomic, type 2A (HSAN2A). Also called: MORVAN DISEASE; NEUROPATHY, CONGENITAL SENSORY; NEUROPATHY, HEREDITARY SENSORY RADICULAR, AUTOSOMAL RECESSIVE; NEUROPATHY, HEREDITARY SENSORY, TYPE IIA; NEUROPATHY, PROGRESSIVE SENSORY, OF CHILDREN; ACROOSTEOLYSIS, GIACCAI TYPE. Identifiers: Orphanet 970, MedGen C2752089, MONDO:0024309, OMIM 201300.
Inborn genetic diseases. Identifiers: MedGen C0950123, MeSH D030342.

Allele frequency attached by ClinVar (database versions not stated): gnomAD 0.00096 and 0.00119; TOPMed 0.00097; ESP Exome Variant Server 0.00108; 1000 Genomes Project 0.00140; gnomAD exomes 0.00143 and 0.00185; 1000 Genomes Project 30x 0.00172; ExAC 0.00211.
gnomAD v4.1: 2,309 of 1,614,186 alleles (0.14%); highest among the groups gnomAD compares: South Asian, 0.7%; 16 homozygotes.

Submissions (10):

CeGaT Center for Human Genetics Tuebingen
Classification: Likely benign. Last evaluated: 2026-03-01. Review status: criteria provided, single submitter. Criteria: CeGaT Center For Human Genetics Tuebingen Variant Classification Criteria Version 2. Collection method: clinical testing. Allele origin: germline. Affected: yes. Observed: 4 variant alleles.
Comment: WNK1: BP4, BS2

Labcorp Genetics (formerly Invitae), Labcorp
Classification: Benign for Neuropathy, hereditary sensory and autonomic, type 2A; Pseudohypoaldosteronism type 2C. Last evaluated: 2026-01-21. Review status: criteria provided, single submitter. Criteria: Invitae Variant Classification Sherloc (09022015). Collection method: clinical testing. Allele origin: germline.

Women's Health and Genetics/Laboratory Corporation of America, LabCorp
Classification: Likely benign. Last evaluated: 2024-11-27. Review status: criteria provided, single submitter. Criteria: LabCorp Variant Classification Summary - May 2015. Collection method: clinical testing. Allele origin: germline.
Comment: Variant summary: WNK1 c.2206A>G (p.Ile736Val) results in a conservative amino acid change in the encoded protein sequence. Five of five in-silico tools predict a benign effect of the variant on protein function. The variant allele was found at a frequency of 0.0018 in 251464 control chromosomes in the gnomAD database, including 6 homozygotes. The observed variant frequency is approximately 1.65 fold of the estimated maximal expected allele frequency for a pathogenic variant in WNK1 causing Neuropathy, hereditary sensory and autonomic, type 2A phenotype (0.0011). To our knowledge, no occurrence of c.2206A>G in individuals affected with Neuropathy, hereditary sensory and autonomic, type 2A and no experimental evidence demonstrating its impact on protein function have been reported. ClinVar contains an entry for this variant (Variation ID: 310745). Based on the evidence outlined above, the variant was classified as likely benign.

Blueprint Genetics
Classification: Likely benign. Last evaluated: 2024-11-07. Review status: criteria provided, single submitter. Criteria: ACMG Guidelines, 2015. Collection method: clinical testing. Allele origin: germline.

ARUP Laboratories, Molecular Genetics and Genomics, ARUP Laboratories
Classification: Likely benign. Last evaluated: 2024-06-28. Review status: criteria provided, single submitter. Criteria: ARUP Molecular Germline Variant Investigation Process 2024. Collection method: clinical testing. Allele origin: germline.

Ambry Genetics
Classification: Likely benign for Inborn genetic diseases. Last evaluated: 2019-12-19. Review status: criteria provided, single submitter. Criteria: Ambry Variant Classification Scheme 2023. Collection method: clinical testing. Allele origin: germline.

Mayo Clinic Laboratories, Mayo Clinic
Classification: Benign. Last evaluated: 2019-06-06. Review status: criteria provided, single submitter. Criteria: ACMG Guidelines, 2015. Collection method: clinical testing. Allele origin: germline. Observed: 9 variant alleles.

Illumina Laboratory Services, Illumina
Classification: Benign for Pseudohypoaldosteronism type 2C. Last evaluated: 2018-01-13. Review status: criteria provided, single submitter. Criteria: ICSL Variant Classification Criteria 13 December 2019. Collection method: clinical testing. Allele origin: germline.
Comment: This variant was observed in the ICSL laboratory as part of a predisposition screen in an ostensibly healthy population. It had not been previously curated by ICSL or reported in the Human Gene Mutation Database (HGMD: prior to June 1st, 2018), and was therefore a candidate for classification through an automated scoring system. Utilizing variant allele frequency, disease prevalence and penetrance estimates, and inheritance mode, an automated score was calculated to assess if this variant is too frequent to cause the disease. Based on the score and internal cut-off values, a variant classified as benign is not then subjected to further curation. The score for this variant resulted in a classification of benign for this disease.

Clinical Genetics, Academic Medical Center
Classification: Likely benign. Review status: no assertion criteria provided. Collection method: clinical testing. Allele origin: germline. Affected: yes. Study: VKGL Data-share Consensus. Not counted in ClinVar's aggregate classification.

Genome Diagnostics Laboratory, University Medical Center Utrecht
Classification: Likely benign. Review status: no assertion criteria provided. Collection method: clinical testing. Allele origin: germline. Affected: yes. Study: VKGL Data-share Consensus. Not counted in ClinVar's aggregate classification.

NM_018979.4(WNK1):c.2206A>G (p.Ile736Val)

Gene: WNK1 (WNK lysine deficient protein kinase 1; plus strand). Cytogenetic location: 12p13.33.
Variant type: single nucleotide variant.
Coding change: c.2206A>G on transcript NM_018979.4 (MANE Select); coding-DNA position 2206, A replaced by G.
Protein change: p.Ile736Val; replaces isoleucine 736 with valine.
Molecular consequence: missense variant.
Genome position (GRCh38, 1-based): chr12:871,331, A>G. VCF-style: chr12-871331-A-G. GRCh37 (hg19) VCF-style: chr12-980497-A-G.
Other names: p.Ile1234Val; c.3445A>G, p.Ile1149Val (NM_001184985.2); c.2206A>G, p.Ile736Val (NM_014823.3); c.3700A>G, p.Ile1234Val (NM_213655.5); short protein forms I1234V, I736V, I1149V.
Identifiers: ClinVar variation 310745 (VCV000310745.62), dbSNP rs147099510, ClinGen allele CA6382410.